The following is an entry in ClinVar:

NM_000260.4(MYO7A):c.3607G>A (p.Ala1203Thr)

Gene: MYO7A (myosin VIIA; plus strand). Cytogenetic location: 11q13.5.
Variant type: single nucleotide variant.
Coding change: c.3607G>A on transcript NM_000260.4 (MANE Select); coding-DNA position 3607, G replaced by A.
Protein change: p.Ala1203Thr; replaces alanine 1203 with threonine.
Molecular consequence: missense variant.
Genome position (GRCh38, 1-based): chr11:77,189,447, G>A. VCF-style: chr11-77189447-G-A. GRCh37 (hg19) VCF-style: chr11-76900492-G-A.
Other names: c.3607G>A, p.Ala1203Thr (NM_001127180.2); c.3574G>A, p.Ala1192Thr (NM_001369365.1); short protein forms A1192T, A1203T.
Identifiers: ClinVar variation 1300488 (VCV001300488.9), dbSNP rs568301918, ClinGen allele CA6198125.

ClinVar aggregate classification (germline): Uncertain significance. Review status: criteria provided, multiple submitters, no conflicts (2 of 4 stars). 2 submissions from 2 submitters: Uncertain significance (2). Last evaluated 2026-10-07.

Allele frequency attached by ClinVar (database versions not stated): gnomAD 0.00001; 1000 Genomes Project 30x 0.00016; 1000 Genomes Project 0.00020.
gnomAD v4.1: 21 of 1,613,812 alleles (0.0013%); highest among the groups gnomAD compares: Admixed American, 0.023%; no homozygotes.

Submissions (2):

GeneDx
Classification: Uncertain significance. Last evaluated: 2026-10-07. Review status: criteria provided, single submitter. Criteria: GeneDx Variant Classification Process June 2021. Collection method: clinical testing. Allele origin: germline.
Comment: In silico analysis supports that this missense variant has a deleterious effect on protein structure/function; Has not been previously published as pathogenic or benign to our knowledge

Labcorp Genetics (formerly Invitae), Labcorp
Classification: Uncertain significance. Last evaluated: 2026-01-19. Review status: criteria provided, single submitter. Criteria: Invitae Variant Classification Sherloc (09022015). Collection method: clinical testing. Allele origin: germline.
Comment: This sequence change replaces alanine, which is neutral and non-polar, with threonine, which is neutral and polar, at codon 1203 of the MYO7A protein (p.Ala1203Thr). This variant is present in population databases (rs568301918, gnomAD 0.04%). This variant has not been reported in the literature in individuals affected with MYO7A-related conditions. ClinVar contains an entry for this variant (Variation ID: 1300488). Invitae Evidence Modeling of protein sequence and biophysical properties (such as structural, functional, and spatial information, amino acid conservation, physicochemical variation, residue mobility, and thermodynamic stability) indicates that this missense variant is not expected to disrupt MYO7A protein function with a negative predictive value of 95%. In summary, the available evidence is currently insufficient to determine the role of this variant in disease. Therefore, it has been classified as a Variant of Uncertain Significance.